The following is an entry in ClinVar:

ClinVar aggregate classification (germline): Likely benign. Review status: criteria provided, multiple submitters, no conflicts (2 of 4 stars). 3 submissions from 3 submitters: Likely benign (3). Last evaluated 2024-01-18.

Conditions:
Spastic paraplegia. Identifiers: MedGen C0037772, HP:0001258.

Allele frequency attached by ClinVar (database versions not stated): gnomAD exomes 0.00005; ExAC 0.00006; TOPMed 0.00013; ESP Exome Variant Server 0.00015; gnomAD 0.00015 and 0.00016; 1000 Genomes Project 30x 0.00016; 1000 Genomes Project 0.00020.
gnomAD v4.1: 61 of 1,613,906 alleles (0.0038%); highest among the groups gnomAD compares: African/African-American, 0.037%; no homozygotes.

Submissions (3):

Blueprint Genetics
Classification: Likely benign. Last evaluated: 2024-01-18. Review status: criteria provided, single submitter. Criteria: ACMG Guidelines, 2015. Collection method: clinical testing. Allele origin: germline.

Labcorp Genetics (formerly Invitae), Labcorp
Classification: Likely benign for Spastic paraplegia. Last evaluated: 2021-09-24. Review status: criteria provided, single submitter. Criteria: Invitae Variant Classification Sherloc (09022015). Collection method: clinical testing. Allele origin: germline.

GeneDx
Classification: Likely benign. Last evaluated: 2017-03-24. Review status: criteria provided, single submitter. Criteria: GeneDx Variant Classification (06012015). Collection method: clinical testing. Allele origin: germline. Affected: yes.
Comment: This variant is considered likely benign or benign based on one or more of the following criteria: it is a conservative change, it occurs at a poorly conserved position in the protein, it is predicted to be benign by multiple in silico algorithms, and/or has population frequency not consistent with disease.

NM_020944.3(GBA2):c.2478C>T (p.Tyr826=)

Gene: GBA2 (glucosylceramidase beta 2; minus strand). Cytogenetic location: 9p13.3.
Variant type: single nucleotide variant.
Coding change: c.2478C>T on transcript NM_020944.3 (MANE Select); coding-DNA position 2478, C replaced by T.
Protein change: p.Tyr826=; no amino-acid change (tyrosine 826 retained).
Molecular consequence: synonymous variant.
Genome position (GRCh38, 1-based): chr9:35,737,775, G>A on the plus strand (C>T on the coding strand, the complement: GBA2 is on the minus strand). VCF-style: chr9-35737775-G-A. GRCh37 (hg19) VCF-style: chr9-35737772-G-A.
Other names: c.2478C>T, p.Tyr826= (NM_001330660.2).
Identifiers: ClinVar variation 508317 (VCV000508317.10), dbSNP rs374440648, ClinGen allele CA5050098.